The following is an entry in ClinVar:

ClinVar aggregate classification (germline): Conflicting classifications of pathogenicity. Review status: criteria provided, conflicting classifications (1 of 4 stars). 2 submissions from 2 submitters: Uncertain significance (1); Likely benign (1). Last evaluated 2025-05-08.

Conditions:
Hereditary cancer-predisposing syndrome. Also called: Neoplastic Syndromes, Hereditary; Tumor predisposition; Hereditary Cancer Syndrome; Hereditary neoplastic syndrome. Identifiers: Orphanet 140162, MedGen C0027672, MeSH D009386, MONDO:0015356.
Hereditary breast ovarian cancer syndrome. Also called: Hereditary breast and ovarian cancer; Hereditary breast and ovarian cancer syndrome (HBOC); BRCA1- and BRCA2-Associated Hereditary Breast and Ovarian Cancer; Breast and ovarian cancer; Hereditary breast and/or ovarian cancer syndrome; Hereditary breast and ovarian cancer syndrome. Identifiers: Orphanet 145, MedGen C0677776, MeSH D061325, MONDO:0003582. Disease mechanism: loss of function.

Submissions (2):

Ambry Genetics
Classification: Likely benign for Hereditary cancer-predisposing syndrome. Last evaluated: 2025-05-08. Review status: criteria provided, single submitter. Criteria: Ambry Variant Classification Scheme 2023. Collection method: clinical testing. Allele origin: germline.

Labcorp Genetics (formerly Invitae), Labcorp
Classification: Uncertain significance for Hereditary breast ovarian cancer syndrome. Last evaluated: 2024-02-06. Review status: criteria provided, single submitter. Criteria: Invitae Variant Classification Sherloc (09022015). Collection method: clinical testing. Allele origin: germline.
Comment: This sequence change replaces alanine, which is neutral and non-polar, with glycine, which is neutral and non-polar, at codon 2770 of the BRCA2 protein (p.Ala2770Gly). This variant is not present in population databases (gnomAD no frequency). This missense change has been observed in individual(s) with breast and/or ovarian cancer (PMID: 27882536). ClinVar contains an entry for this variant (Variation ID: 1762854). Advanced modeling of protein sequence and biophysical properties (such as structural, functional, and spatial information, amino acid conservation, physicochemical variation, residue mobility, and thermodynamic stability) performed at Invitae indicates that this missense variant is not expected to disrupt BRCA2 protein function with a negative predictive value of 95%. In summary, the available evidence is currently insufficient to determine the role of this variant in disease. Therefore, it has been classified as a Variant of Uncertain Significance.

Literature cited by the submitters: PubMed 27882536 (cited by Ambry Genetics and Labcorp Genetics (formerly Invitae), Labcorp).

NM_000059.4(BRCA2):c.8309C>G (p.Ala2770Gly)

Gene: BRCA2 (BRCA2 DNA repair associated; plus strand). Cytogenetic location: 13q13.1.
Variant type: single nucleotide variant.
Coding change: c.8309C>G on transcript NM_000059.4 (MANE Select); coding-DNA position 8309, C replaced by G.
Protein change: p.Ala2770Gly; replaces alanine 2770 with glycine.
Molecular consequence: missense variant.
Genome position (GRCh38, 1-based): chr13:32,363,511, C>G. VCF-style: chr13-32363511-C-G. GRCh37 (hg19) VCF-style: chr13-32937648-C-G.
Other names: c.8213C>G, p.Ala2738Gly (NM_001406719.1); c.8309C>G, p.Ala2770Gly (NM_001406720.1); c.3377C>G, p.Ala1126Gly (NM_001406721.1); c.1892C>G, p.Ala631Gly (NM_001406722.1); short protein forms A631G, A2738G, A2770G, A1126G.
Identifiers: ClinVar variation 1762854 (VCV001762854.5), dbSNP rs28897750, ClinGen allele CA387750206.
Genomic context (GRCh38, chr13:32,363,511, plus strand): 5'-AGATTATTCTTCATGGAGCAGAACTGGTGGGCTCTCCTGATGCCTGTACACCTCTTGAAG[C>G]CCCAGAATCTCTTATGTTAAAGGTAAATTAATTTGCACTCTTGGTAAAAATCAGTCATTG-3'
Protein context (NP_000050.3, residues 2760-2780): GSPDACTPLE[Ala2770Gly]PESLMLKISA